The following is an entry in ClinVar:

ClinVar aggregate classification (germline): Likely benign (0 of 4 stars; one submission).

Conditions:
NR0B1-related disorder.

Submission:

PreventionGenetics, part of Exact Sciences
Classification: Likely benign for NR0B1-related condition. Last evaluated: 2022-11-10. Review status: no assertion criteria provided. Collection method: clinical testing. Allele origin: germline.
Comment: This variant is classified as likely benign based on ACMG/AMP sequence variant interpretation guidelines (Richards et al. 2015 PMID: 25741868, with internal and published modifications).

NM_000475.5(NR0B1):c.735G>A (p.Pro245=)

Gene: NR0B1 (nuclear receptor subfamily 0 group B member 1; minus strand). Cytogenetic location: Xp21.2.
Variant type: single nucleotide variant.
Coding change: c.735G>A on transcript NM_000475.5 (MANE Select); coding-DNA position 735, G replaced by A.
Protein change: p.Pro245=; no amino-acid change (proline 245 retained).
Molecular consequence: synonymous variant.
Genome position (GRCh38, 1-based): chrX:30,308,629, C>T on the plus strand (G>A on the coding strand, the complement: NR0B1 is on the minus strand). VCF-style: chrX-30308629-C-T. GRCh37 (hg19) VCF-style: chrX-30326746-C-T.
Identifiers: ClinVar variation 3047318 (VCV003047318.2), dbSNP rs918925037, ClinGen allele CA515946206.